The following is an entry in ClinVar:

NM_006231.4(POLE):c.6112G>A (p.Glu2038Lys)

Gene: POLE (DNA polymerase epsilon, catalytic subunit; minus strand). Cytogenetic location: 12q24.33.
Variant type: single nucleotide variant.
Coding change: c.6112G>A on transcript NM_006231.4 (MANE Select); coding-DNA position 6112, G replaced by A.
Protein change: p.Glu2038Lys; replaces glutamic acid 2038 with lysine.
Molecular consequence: missense variant.
Genome position (GRCh38, 1-based): chr12:132,632,688, C>T on the plus strand (G>A on the coding strand, the complement: POLE is on the minus strand). VCF-style: chr12-132632688-C-T. GRCh37 (hg19) VCF-style: chr12-133209274-C-T.
Other names: short protein forms E2038K.
Identifiers: ClinVar variation 240584 (VCV000240584.16), dbSNP rs181570274, ClinGen allele CA6892278.

ClinVar aggregate classification (germline): Conflicting classifications of pathogenicity. Review status: criteria provided, conflicting classifications (1 of 4 stars). 4 submissions from 4 submitters: Uncertain significance (3); Likely benign (1). Last evaluated 2026-02-02.

Conditions:
Hereditary cancer-predisposing syndrome. Also called: Tumor predisposition; Hereditary neoplastic syndrome; Hereditary Cancer Syndrome; Neoplastic Syndromes, Hereditary. Identifiers: Orphanet 140162, MedGen C0027672, MeSH D009386, MONDO:0015356.

Allele frequency attached by ClinVar (database versions not stated): gnomAD 0.00005 and 0.00004; ExAC 0.00002; gnomAD exomes 0.00001; TOPMed 0.00003; 1000 Genomes Project 30x 0.00031; 1000 Genomes Project 0.00020.
gnomAD v4.1: 21 of 1,614,024 alleles (0.0013%); highest among the groups gnomAD compares: East Asian, 0.0045%; no homozygotes.

Submissions (4):

Labcorp Genetics (formerly Invitae), Labcorp
Classification: Uncertain significance. Last evaluated: 2026-02-02. Review status: criteria provided, single submitter. Criteria: Invitae Variant Classification Sherloc (09022015). Collection method: clinical testing. Allele origin: germline.
Comment: This sequence change replaces glutamic acid, which is acidic and polar, with lysine, which is basic and polar, at codon 2038 of the POLE protein (p.Glu2038Lys). This variant is present in population databases (rs181570274, gnomAD 0.003%). This variant has not been reported in the literature in individuals affected with POLE-related conditions. ClinVar contains an entry for this variant (Variation ID: 240584). Invitae Evidence Modeling of protein sequence and biophysical properties (such as structural, functional, and spatial information, amino acid conservation, physicochemical variation, residue mobility, and thermodynamic stability) indicates that this missense variant is not expected to disrupt POLE protein function with a negative predictive value of 80%. In summary, the available evidence is currently insufficient to determine the role of this variant in disease. Therefore, it has been classified as a Variant of Uncertain Significance.

Dasa
Classification: Uncertain significance. Last evaluated: 2025-05-19. Review status: criteria provided, single submitter. Criteria: DASA Assertion Criteria. Collection method: clinical testing. Allele origin: germline.
Comment: NM_006231.4(POLE):c.6112G>A (p.Glu2038Lys) is a missense variant that results in the substitution of glutamic acid with lysine. This variant is rare in population databases. Computational prediction algorithms are consistent with a benign effect. The currently available literature and clinical evidence are not sufficient to establish a definitive association between this variant and the reported condition. Therefore, this variant is classified as a variant of uncertain significance.

Ambry Genetics
Classification: Likely benign for Hereditary cancer-predisposing syndrome. Last evaluated: 2024-12-11. Review status: criteria provided, single submitter. Criteria: Ambry Variant Classification Scheme 2023. Collection method: clinical testing. Allele origin: germline.

GeneDx
Classification: Uncertain significance. Last evaluated: 2024-04-16. Review status: criteria provided, single submitter. Criteria: GeneDx Variant Classification Process June 2021. Collection method: clinical testing. Allele origin: germline. Affected: yes.
Comment: Not observed at significant frequency in large population cohorts (gnomAD); In silico analysis supports that this missense variant does not alter protein structure/function; Has not been previously published as pathogenic or benign to our knowledge; This variant is associated with the following publications: (PMID: 28137924, 32546565)